The following is an entry in ClinVar:

NM_022157.4(RRAGC):c.599A>T (p.Asn200Ile)

Gene: RRAGC (Ras related GTP binding C; minus strand). Cytogenetic location: 1p34.3.
Variant type: single nucleotide variant.
Coding change: c.599A>T on transcript NM_022157.4 (MANE Select); coding-DNA position 599, A replaced by T.
Protein change: p.Asn200Ile; replaces asparagine 200 with isoleucine.
Molecular consequence: missense variant.
Genome position (GRCh38, 1-based): chr1:38,855,750, T>A on the plus strand (A>T on the coding strand, the complement: RRAGC is on the minus strand). VCF-style: chr1-38855750-T-A. GRCh37 (hg19) VCF-style: chr1-39321422-T-A.
Other names: c.497A>T, p.Asn166Ile (NM_001271851.2); short protein forms N166I, N200I.
Identifiers: ClinVar variation 3347428 (VCV003347428.1).
Genomic context (GRCh38, chr1:38,855,750, plus strand): 5'-AAACACACATGTTGTTACCTAAGATGGAGTTTTTCTAGCCCAGCATCTGCAAGGTCATCA[T>A]TGGCCCTTTGATGAATGTCCCTCTGTGTTTCTATTTTGTGATCATCAGACAGACCATCAA-3'
Protein context (NP_071440.1, residues 190-210): ETQRDIHQRA[Asn200Ile]DDLADAGLEK

ClinVar aggregate classification (germline): Uncertain significance (0 of 4 stars; one submission).

Conditions:
RRAGC-related condition.

Submission:

PreventionGenetics, part of Exact Sciences
Classification: Uncertain significance for RRAGC-related condition. Last evaluated: 2024-09-21. Review status: no assertion criteria provided. Collection method: clinical testing. Allele origin: germline.
Comment: The RRAGC c.599A>T variant is predicted to result in the amino acid substitution p.Asn200Ile. To our knowledge, this variant has not been reported in the literature or in a large population database, indicating this variant is rare. At this time, the clinical significance of this variant is uncertain due to the absence of conclusive functional and genetic evidence.